The following is an entry in ClinVar:

ClinVar aggregate classification (germline): Uncertain significance (1 of 4 stars; one submission).

Conditions:
Phenylketonuria (PKU). Also called: Phenylketonurias; OLIGOPHRENIA PHENYLPYRUVICA; FOLLING DISEASE; Phenylketonuria (PKU). Identifiers: Orphanet 716, MedGen C0031485, MONDO:0009861, OMIM 261600. Disease mechanism: loss of function.

Allele frequency attached by ClinVar (database versions not stated): TOPMed 0.00001.
gnomAD v4.1: 9 of 1,613,904 alleles (0.00056%); highest among the groups gnomAD compares: African/African-American, 0.0027%; no homozygotes.

Submission:

Labcorp Genetics (formerly Invitae), Labcorp
Classification: Uncertain significance for Phenylketonuria. Last evaluated: 2021-12-08. Review status: criteria provided, single submitter. Criteria: Invitae Variant Classification Sherloc (09022015). Collection method: clinical testing. Allele origin: germline.
Comment: This sequence change replaces threonine, which is neutral and polar, with asparagine, which is neutral and polar, at codon 124 of the PAH protein (p.Thr124Asn). This variant is present in population databases (no rsID available, gnomAD 0.01%). This variant has not been reported in the literature in individuals affected with PAH-related conditions. Advanced modeling of protein sequence and biophysical properties (such as structural, functional, and spatial information, amino acid conservation, physicochemical variation, residue mobility, and thermodynamic stability) performed at Invitae indicates that this missense variant is expected to disrupt PAH protein function. In summary, the available evidence is currently insufficient to determine the role of this variant in disease. Therefore, it has been classified as a Variant of Uncertain Significance.

NM_000277.3(PAH):c.371C>A (p.Thr124Asn)

Gene: PAH (phenylalanine hydroxylase; minus strand). Cytogenetic location: 12q23.2.
Variant type: single nucleotide variant.
Coding change: c.371C>A on transcript NM_000277.3 (MANE Select); coding-DNA position 371, C replaced by A.
Protein change: p.Thr124Asn; replaces threonine 124 with asparagine.
Molecular consequence: missense variant.
Genome position (GRCh38, 1-based): chr12:102,877,532, G>T on the plus strand (C>A on the coding strand, the complement: PAH is on the minus strand). VCF-style: chr12-102877532-G-T. GRCh37 (hg19) VCF-style: chr12-103271310-G-T.
Other names: c.371C>A, p.Thr124Asn (NM_001354304.2); short protein forms T124N.
Identifiers: ClinVar variation 1943030 (VCV001943030.2), dbSNP rs199475571, ClinGen allele CA242493312.